The following is an entry in ClinVar:

NM_017654.4(SAMD9):c.3288G>T (p.Lys1096Asn)

Gene: SAMD9 (sterile alpha motif domain containing 9; minus strand). Cytogenetic location: 7q21.2.
Variant type: single nucleotide variant.
Coding change: c.3288G>T on transcript NM_017654.4 (MANE Select); coding-DNA position 3288, G replaced by T.
Protein change: p.Lys1096Asn; replaces lysine 1096 with asparagine.
Molecular consequence: missense variant.
Genome position (GRCh38, 1-based): chr7:93,102,810, C>A on the plus strand (G>T on the coding strand, the complement: SAMD9 is on the minus strand). VCF-style: chr7-93102810-C-A. GRCh37 (hg19) VCF-style: chr7-92732123-C-A.
Other names: c.3288G>T, p.Lys1096Asn (NM_001193307.2); short protein forms K1096N.
Identifiers: ClinVar variation 3437001 (VCV003437001.1).

ClinVar aggregate classification (germline): Uncertain significance (1 of 4 stars; one submission).

Conditions:
Inborn genetic diseases. Identifiers: MedGen C0950123, MeSH D030342.

gnomAD v4.1: 1 of 1,613,826 alleles (0.000062%); highest among the groups gnomAD compares: Non-Finnish European, 0.000085%; no homozygotes.

Submission:

Ambry Genetics
Classification: Uncertain significance for Inborn genetic diseases. Last evaluated: 2024-11-18. Review status: criteria provided, single submitter. Criteria: Ambry Variant Classification Scheme 2023. Collection method: clinical testing. Allele origin: germline.
Comment: The p.K1096N variant (also known as c.3288G>T), located in coding exon 1 of the SAMD9 gene, results from a G to T substitution at nucleotide position 3288. The lysine at codon 1096 is replaced by asparagine, an amino acid with similar properties. This amino acid position is conserved. In addition, this alteration is predicted to be tolerated by in silico analysis. Based on the available evidence, the clinical significance of this variant remains unclear.